The following is an entry in ClinVar:

ClinVar aggregate classification (germline): Uncertain significance. Review status: criteria provided, multiple submitters, no conflicts (2 of 4 stars). 2 submissions from 2 submitters: Uncertain significance (2). Last evaluated 2025-05-23.

Submissions (2):

GeneDx
Classification: Uncertain significance. Last evaluated: 2025-05-23. Review status: criteria provided, single submitter. Criteria: GeneDx Variant Classification Process June 2021. Collection method: clinical testing. Allele origin: germline. Affected: yes.
Comment: In silico analysis supports that this missense variant has a deleterious effect on protein structure/function; Has not been previously published as pathogenic or benign to our knowledge

Clinical Genetics Laboratory, Skane University Hospital Lund
Classification: Uncertain significance. Last evaluated: 2022-07-07. Review status: criteria provided, single submitter. Criteria: ACMG Guidelines, 2015. Collection method: clinical testing. Allele origin: germline. Affected: yes.

NM_001100913.3(PACS2):c.605A>T (p.Glu202Val)

Gene: PACS2 (phosphofurin acidic cluster sorting protein 2; plus strand). Cytogenetic location: 14q32.33.
Variant type: single nucleotide variant.
Coding change: c.605A>T on transcript NM_001100913.3 (MANE Select); coding-DNA position 605, A replaced by T.
Protein change: p.Glu202Val; replaces glutamic acid 202 with valine.
Molecular consequence: missense variant.
Genome position (GRCh38, 1-based): chr14:105,368,092, A>T. VCF-style: chr14-105368092-A-T. GRCh37 (hg19) VCF-style: chr14-105834429-A-T.
Other names: c.404A>T, p.Glu135Val (NM_001243127.3); c.605A>T, p.Glu202Val (NM_015197.4); short protein forms E135V, E202V.
Identifiers: ClinVar variation 2581901 (VCV002581901.3), dbSNP rs2544698517, ClinGen allele CA391174367.
Genomic context (GRCh38, chr14:105,368,092, plus strand): 5'-GGAATCTCACGGCACCCTCCCTTCTGTCTGTTCATTCCGCAGATAACTACTCCGAGGAGG[A>T]GTATGAGAGCTTCTCCTCCGAGCAGGAGGCCAGTGACGACGCCGTGCAGGGGCAGGTGAC-3'
Protein context (NP_001094383.2, residues 192-212): AKSTDNYSEE[Glu202Val]YESFSSEQEA